The following is an entry in ClinVar:

ClinVar aggregate classification (germline): Uncertain significance. Review status: criteria provided, multiple submitters, no conflicts (2 of 4 stars). 2 submissions from 2 submitters: Uncertain significance (2). Last evaluated 2025-07-02.

Allele frequency attached by ClinVar (database versions not stated): gnomAD exomes 0.00001 and 0.00003; TOPMed 0.00001; ExAC 0.00002.
gnomAD v4.1: 11 of 1,613,978 alleles (0.00068%); highest among the groups gnomAD compares: East Asian, 0.025%; no homozygotes.

Submissions (2):

Labcorp Genetics (formerly Invitae), Labcorp
Classification: Uncertain significance. Last evaluated: 2025-07-02. Review status: criteria provided, single submitter. Criteria: Invitae Variant Classification Sherloc (09022015). Collection method: clinical testing. Allele origin: germline.
Comment: This sequence change replaces asparagine, which is neutral and polar, with histidine, which is basic and polar, at codon 726 of the MYLK3 protein (p.Asn726His). This variant is present in population databases (rs758782017, gnomAD 0.04%). This variant has not been reported in the literature in individuals affected with MYLK3-related conditions. ClinVar contains an entry for this variant (Variation ID: 1442215). An algorithm developed to predict the effect of missense changes on protein structure and function (PolyPhen-2) suggests that this variant is likely to be disruptive. In summary, the available evidence is currently insufficient to determine the role of this variant in disease. Therefore, it has been classified as a Variant of Uncertain Significance.

Ambry Genetics
Classification: Uncertain significance. Last evaluated: 2023-04-17. Review status: criteria provided, single submitter. Criteria: Ambry Variant Classification Scheme 2023. Collection method: clinical testing. Allele origin: germline.

NM_182493.3(MYLK3):c.2176A>C (p.Asn726His)

Gene: MYLK3 (myosin light chain kinase 3; minus strand). Cytogenetic location: 16q11.2.
Variant type: single nucleotide variant.
Coding change: c.2176A>C on transcript NM_182493.3 (MANE Select); coding-DNA position 2176, A replaced by C.
Protein change: p.Asn726His; replaces asparagine 726 with histidine.
Molecular consequence: missense variant.
Genome position (GRCh38, 1-based): chr16:46,710,728, T>G on the plus strand (A>C on the coding strand, the complement: MYLK3 is on the minus strand). VCF-style: chr16-46710728-T-G. GRCh37 (hg19) VCF-style: chr16-46744640-T-G.
Other names: c.1153A>C, p.Asn385His (NM_001308301.1); c.2176A>C (NM_182493.2); short protein forms N385H, N726H.
Identifiers: ClinVar variation 1442215 (VCV001442215.7), dbSNP rs758782017, ClinGen allele CA8037659.
Genomic context (GRCh38, chr16:46,710,728, plus strand): 5'-AGTCCTTGGCCTCCTCCGAGAGCCCTTCAAAGGTGTCAGCATCAAAATCCCAGCTACAGT[T>G]TACAATGAAATTCATGGTCTCTGCATCTGTTTCCCCTAGAAATGGGGACAAGCCACTGAG-3'
Protein context (NP_872299.2, residues 716-736): TDAETMNFIV[Asn726His]CSWDFDADTF